The following is an entry in ClinVar:

ClinVar aggregate classification (germline): Uncertain significance. Review status: criteria provided, multiple submitters, no conflicts (2 of 4 stars). 2 submissions from 2 submitters: Uncertain significance (2). Last evaluated 2022-08-12.

Submissions (2):

Labcorp Genetics (formerly Invitae), Labcorp
Classification: Uncertain significance. Last evaluated: 2022-08-12. Review status: criteria provided, single submitter. Criteria: Invitae Variant Classification Sherloc (09022015). Collection method: clinical testing. Allele origin: germline.
Comment: In summary, the available evidence is currently insufficient to determine the role of this variant in disease. Therefore, it has been classified as a Variant of Uncertain Significance. Experimental studies and prediction algorithms are not available or were not evaluated, and the functional significance of this variant is currently unknown. ClinVar contains an entry for this variant (Variation ID: 1500962). This variant has not been reported in the literature in individuals affected with ARSG-related conditions. This variant is present in population databases (no rsID available, gnomAD 0.003%). This sequence change results in a frameshift in the ARSG gene (p.Ile518Leufs*23). While this is not anticipated to result in nonsense mediated decay, it is expected to disrupt the last 8 amino acid(s) of the ARSG protein and extend the protein by 14 additional amino acid residues.

Blueprint Genetics
Classification: Uncertain significance. Last evaluated: 2022-07-20. Review status: criteria provided, single submitter. Criteria: ACMG Guidelines, 2015. Collection method: clinical testing. Allele origin: germline.

NM_001267727.2(ARSG):c.1552del (p.Ile518fs)

Genes: ARSG (arylsulfatase G; plus strand), PRKAR1A (protein kinase cAMP-dependent type I regulatory subunit alpha; plus strand). Cytogenetic location: 17q24.2.
Variant type: Deletion.
Coding change: c.1552del on transcript NM_001267727.2 (MANE Select); coding-DNA position 1552, one base deleted (A; older notation c.1552delA).
Protein change: p.Ile518fs; shifts the reading frame from isoleucine 518.
Molecular consequence: frameshift variant. On other transcripts: intron variant (3).
Genome position (GRCh38, 1-based): chr17:68,420,437, A deleted; the last of 3 consecutive A bases (chr17:68,420,435-68,420,437); deleting any one gives the same sequence. VCF-style (leftmost placement, unchanged base first): chr17-68420434-CA-C. GRCh37 (hg19) VCF-style: chr17-66416575-CA-C.
Other names: c.1552del, p.Ile518fs (NM_001352899.2, NM_001352900.2, NM_001352901.2 and 2 more transcripts); c.1549del, p.Ile517fs (NM_001352903.2, NM_001352904.2, NM_001352905.2 and 2 more transcripts); c.1303+18987del (NM_001352910.2); c.1255+18987del (NM_001352909.2); c.-7+6642del (NM_001278433.2); short protein forms I518fs, I517fs.
Identifiers: ClinVar variation 1500962 (VCV001500962.7), dbSNP rs1003813372, ClinGen allele CA293297136.
Genomic context (GRCh38, chr17:68,420,434, plus strand): 5'-AACATCTCCAGCGCAGATTACACTCAGGACCCTTCAGTAACTCCCTGCTGTAATCCCTAC[CA>C]AATTGCCTGCCGCTGTCAAGCCGCATAACAGACCAATTTTTATTCCACGAGGAGGAGTAC-3'